The following is an entry in ClinVar:

ClinVar aggregate classification (germline): Uncertain significance (1 of 4 stars; one submission).

Conditions:
Brown-Vialetto-van Laere syndrome 2. Also called: Riboflavin transporter deficiency type 2; SPINOCEREBELLAR ATAXIA WITH BLINDNESS AND DEAFNESS 2. Identifiers: Orphanet 572543, Orphanet 97229, MedGen C3553538, MONDO:0013867, OMIM 614707.

Allele frequency attached by ClinVar (database versions not stated): ExAC 0.00006; gnomAD exomes 0.00004; gnomAD 0.00005; TOPMed 0.00003.

Submission:

Labcorp Genetics (formerly Invitae), Labcorp
Classification: Uncertain significance for Brown-Vialetto-van Laere syndrome 2. Last evaluated: 2025-11-27. Review status: criteria provided, single submitter. Criteria: Invitae Variant Classification Sherloc (09022015). Collection method: clinical testing. Allele origin: germline.
Comment: This sequence change replaces alanine, which is neutral and non-polar, with threonine, which is neutral and polar, at codon 285 of the SLC52A2 protein (p.Ala285Thr). This variant is present in population databases (rs782119101, gnomAD 0.008%). This variant has not been reported in the literature in individuals affected with SLC52A2-related conditions. ClinVar contains an entry for this variant (Variation ID: 567327). Invitae Evidence Modeling of protein sequence and biophysical properties (such as structural, functional, and spatial information, amino acid conservation, physicochemical variation, residue mobility, and thermodynamic stability) indicates that this missense variant is not expected to disrupt SLC52A2 protein function with a negative predictive value of 95%. In summary, the available evidence is currently insufficient to determine the role of this variant in disease. Therefore, it has been classified as a Variant of Uncertain Significance.

NM_001363118.2(SLC52A2):c.853G>A (p.Ala285Thr)

Gene: SLC52A2 (solute carrier family 52 member 2; plus strand). Cytogenetic location: 8q24.3.
Variant type: single nucleotide variant.
Coding change: c.853G>A on transcript NM_001363118.2 (MANE Select); coding-DNA position 853, G replaced by A.
Protein change: p.Ala285Thr; replaces alanine 285 with threonine.
Molecular consequence: missense variant. On other transcripts: non-coding transcript variant (1).
Genome position (GRCh38, 1-based): chr8:144,360,345, G>A. VCF-style: chr8-144360345-G-A. GRCh37 (hg19) VCF-style: chr8-145584005-G-A.
Other names: c.853G>A, p.Ala285Thr (NM_001253815.2, NM_001253816.2, NM_001363120.2 and 2 more transcripts); c.361G>A, p.Ala121Thr (NM_001363122.2); short protein forms A285T, A121T.
Identifiers: ClinVar variation 567327 (VCV000567327.7), dbSNP rs782119101, ClinGen allele CA4938292.